The following is an entry in ClinVar:

NM_145167.3(PIGM):c.1042C>G (p.Pro348Ala)

Gene: PIGM (phosphatidylinositol glycan anchor biosynthesis class M; minus strand). Cytogenetic location: 1q23.2.
Variant type: single nucleotide variant.
Coding change: c.1042C>G on transcript NM_145167.3 (MANE Select); coding-DNA position 1042, C replaced by G.
Protein change: p.Pro348Ala; replaces proline 348 with alanine.
Molecular consequence: missense variant.
Genome position (GRCh38, 1-based): chr1:160,030,698, G>C on the plus strand (C>G on the coding strand, the complement: PIGM is on the minus strand). VCF-style: chr1-160030698-G-C. GRCh37 (hg19) VCF-style: chr1-160000488-G-C.
Other names: c.1042C>G (NM_145167.2); short protein forms P348A.
Identifiers: ClinVar variation 1020292 (VCV001020292.11), dbSNP rs201082832, ClinGen allele CA1192938.
Genomic context (GRCh38, chr1:160,030,698, plus strand): 5'-GCCCTATAAACCATAACATTAGGAGAACTACAGCTCTTTTCCAAGGCATTCTGACTAGTG[G>C]CATCACAAGAGGCAGTAAGCAGAGGTACCAAAGAAAGTACTGGGAGGTGCAGACTTTGTT-3'
Protein context (NP_660150.1, residues 338-358): WYLCLLPLVM[Pro348Ala]LVRMPWKRAV

ClinVar aggregate classification (germline): Uncertain significance. Review status: criteria provided, multiple submitters, no conflicts (2 of 4 stars). 2 submissions from 2 submitters: Uncertain significance (2). Last evaluated 2025-11-25.

Conditions:
Hypercoagulability syndrome due to glycosylphosphatidylinositol deficiency (GPIBD1). Also called: GLYCOSYLPHOSPHATIDYLINOSITOL BIOSYNTHESIS DEFECT 1. Identifiers: Orphanet 83639, MedGen C5201145, MONDO:0012465, OMIM 610293.

Allele frequency attached by ClinVar (database versions not stated): 1000 Genomes Project 30x 0.00016; TOPMed 0.00023.

Submissions (2):

Labcorp Genetics (formerly Invitae), Labcorp
Classification: Uncertain significance for Hypercoagulability syndrome due to glycosylphosphatidylinositol deficiency. Last evaluated: 2025-11-25. Review status: criteria provided, single submitter. Criteria: Invitae Variant Classification Sherloc (09022015). Collection method: clinical testing. Allele origin: germline.
Comment: This sequence change replaces proline, which is neutral and non-polar, with alanine, which is neutral and non-polar, at codon 348 of the PIGM protein (p.Pro348Ala). This variant is present in population databases (rs201082832, gnomAD 0.08%), and has an allele count higher than expected for a pathogenic variant. This variant has not been reported in the literature in individuals affected with PIGM-related conditions. ClinVar contains an entry for this variant (Variation ID: 1020292). Invitae Evidence Modeling of protein sequence and biophysical properties (such as structural, functional, and spatial information, amino acid conservation, physicochemical variation, residue mobility, and thermodynamic stability) indicates that this missense variant is not expected to disrupt PIGM protein function with a negative predictive value of 80%. In summary, the available evidence is currently insufficient to determine the role of this variant in disease. Therefore, it has been classified as a Variant of Uncertain Significance.

Ambry Genetics
Classification: Uncertain significance. Last evaluated: 2025-10-28. Review status: criteria provided, single submitter. Criteria: Ambry Variant Classification Scheme 2023. Collection method: clinical testing. Allele origin: germline.